The following is an entry in ClinVar:

ClinVar aggregate classification (germline): Uncertain significance (1 of 4 stars; one submission).

gnomAD v4.1: 1 of 1,613,612 alleles (0.000062%); highest among the groups gnomAD compares: Non-Finnish European, 0.000085%; no homozygotes.

Submission:

Women's Health and Genetics/Laboratory Corporation of America, LabCorp
Classification: Uncertain significance. Last evaluated: 2025-03-18. Review status: criteria provided, single submitter. Criteria: LabCorp Variant Classification Summary - May 2015. Collection method: clinical testing. Allele origin: germline.
Comment: Variant summary: COL1A2 c.2017G>A (p.Gly673Ser) results in a non-conservative amino acid change in the encoded protein sequence. Five of five in-silico tools predict a damaging effect of the variant on protein function. The variant was absent in 250872 control chromosomes. The available data on variant occurrences in the general population are insufficient to allow any conclusion about variant significance. To our knowledge, no occurrence of c.2017G>A in individuals affected with COL1A2-related conditions and no experimental evidence demonstrating its impact on protein function have been reported. No submitters have cited clinical-significance assessments for this variant to ClinVar. Based on the evidence outlined above, the variant was classified as uncertain significance.

NM_000089.4(COL1A2):c.2017G>A (p.Gly673Ser)

Gene: COL1A2 (collagen type I alpha 2 chain; plus strand). Cytogenetic location: 7q21.3.
Variant type: single nucleotide variant.
Coding change: c.2017G>A on transcript NM_000089.4 (MANE Select); coding-DNA position 2017, G replaced by A.
Protein change: p.Gly673Ser; replaces glycine 673 with serine.
Molecular consequence: missense variant.
Genome position (GRCh38, 1-based): chr7:94,418,544, G>A. VCF-style: chr7-94418544-G-A. GRCh37 (hg19) VCF-style: chr7-94047856-G-A.
Other names: short protein forms G673S.
Identifiers: ClinVar variation 3896118 (VCV003896118.1).